The following is an entry in ClinVar:

ClinVar aggregate classification (germline): Uncertain significance. Review status: criteria provided, multiple submitters, no conflicts (2 of 4 stars). 2 submissions from 2 submitters: Uncertain significance (2). Last evaluated 2025-07-10.

Conditions:
Charcot-Marie-Tooth disease axonal type 2O. Also called: CHARCOT-MARIE-TOOTH NEUROPATHY, AXONAL, TYPE 2O; CHARCOT-MARIE-TOOTH DISEASE, AXONAL, AUTOSOMAL DOMINANT, TYPE 2O; Charcot-Marie-Tooth Neuropathy Type 2O; Charcot-Marie-Tooth disease, axonal, type 20. Identifiers: Orphanet 284232, MedGen C3280220, MONDO:0013644, OMIM 614228.
DYNC1H1-related disorder. Also called: DYNC1H1-related condition; DYNC1H1-related disorders. Identifiers: MedGen CN381529.

Submissions (2):

PreventionGenetics, part of Exact Sciences
Classification: Uncertain significance for DYNC1H1-related condition. Last evaluated: 2025-07-10. Review status: criteria provided, single submitter. Criteria: ACMG Guidelines, 2015. Collection method: clinical testing. Allele origin: germline.
Comment: The DYNC1H1 c.682A>G variant is predicted to result in the amino acid substitution p.Lys228Glu. To our knowledge, this variant has not been reported in the literature or in a large population database (gnomAD), indicating this variant is rare. At this time, the clinical significance of this variant is uncertain due to the absence of conclusive functional and genetic evidence.

Labcorp Genetics (formerly Invitae), Labcorp
Classification: Uncertain significance for Charcot-Marie-Tooth disease axonal type 2O. Last evaluated: 2023-10-28. Review status: criteria provided, single submitter. Criteria: Invitae Variant Classification Sherloc (09022015). Collection method: clinical testing. Allele origin: germline.
Comment: This sequence change replaces lysine, which is basic and polar, with glutamic acid, which is acidic and polar, at codon 228 of the DYNC1H1 protein (p.Lys228Glu). This variant is not present in population databases (gnomAD no frequency). This variant has not been reported in the literature in individuals affected with DYNC1H1-related conditions. ClinVar contains an entry for this variant (Variation ID: 1417705). Advanced modeling of protein sequence and biophysical properties (such as structural, functional, and spatial information, amino acid conservation, physicochemical variation, residue mobility, and thermodynamic stability) performed at Invitae indicates that this missense variant is not expected to disrupt DYNC1H1 protein function with a negative predictive value of 95%. In summary, the available evidence is currently insufficient to determine the role of this variant in disease. Therefore, it has been classified as a Variant of Uncertain Significance.

NM_001376.5(DYNC1H1):c.682A>G (p.Lys228Glu)

Gene: DYNC1H1 (dynein cytoplasmic 1 heavy chain 1; plus strand). Cytogenetic location: 14q32.31.
Variant type: single nucleotide variant.
Coding change: c.682A>G on transcript NM_001376.5 (MANE Select); coding-DNA position 682, A replaced by G.
Protein change: p.Lys228Glu; replaces lysine 228 with glutamic acid.
Molecular consequence: missense variant.
Genome position (GRCh38, 1-based): chr14:101,979,882, A>G. VCF-style: chr14-101979882-A-G. GRCh37 (hg19) VCF-style: chr14-102446219-A-G.
Other names: c.682A>G (NM_001376.4); short protein forms K228E.
Identifiers: ClinVar variation 1417705 (VCV001417705.9), dbSNP rs2141269775, ClinGen allele CA391008663.